The following is an entry in ClinVar:

ClinVar aggregate classification (germline): Likely benign. Review status: criteria provided, single submitter (1 of 4 stars). 2 submissions from 2 submitters: Likely benign (1). 1 of the submissions does not count toward it. Last evaluated 2025-04-14.

Conditions:
Developmental and epileptic encephalopathy, 12 (DEE12). Identifiers: MedGen C3150988, MONDO:0013389, OMIM 613722.
PLCB1-related disorder. Also called: PLCB1-related condition.

Allele frequency attached by ClinVar (database versions not stated): gnomAD exomes below 0.00001; TOPMed below 0.00001; gnomAD 0.00001.
gnomAD v4.1: 3 of 1,613,838 alleles (0.00019%); highest among the groups gnomAD compares: Admixed American, 0.0017%; no homozygotes.

Submissions (2):

Labcorp Genetics (formerly Invitae), Labcorp
Classification: Likely benign for Developmental and epileptic encephalopathy, 12. Last evaluated: 2025-04-14. Review status: criteria provided, single submitter. Criteria: Invitae Variant Classification Sherloc (09022015). Collection method: clinical testing. Allele origin: germline.

PreventionGenetics, part of Exact Sciences
Classification: Likely benign for PLCB1-related condition. Last evaluated: 2019-03-20. Review status: no assertion criteria provided. Collection method: clinical testing. Allele origin: germline. Not counted in ClinVar's aggregate classification.
Comment: This variant is classified as likely benign based on ACMG/AMP sequence variant interpretation guidelines (Richards et al. 2015 PMID: 25741868, with internal and published modifications).

NM_015192.4(PLCB1):c.3492C>T (p.Phe1164=)

Gene: PLCB1 (phospholipase C beta 1; plus strand). Cytogenetic location: 20p12.3.
Variant type: single nucleotide variant.
Coding change: c.3492C>T on transcript NM_015192.4 (MANE Select); coding-DNA position 3492, C replaced by T.
Protein change: p.Phe1164=; no amino-acid change (phenylalanine 1164 retained).
Molecular consequence: synonymous variant. On other transcripts: 3 prime UTR variant (1).
Genome position (GRCh38, 1-based): chr20:8,881,690, C>T. VCF-style: chr20-8881690-C-T. GRCh37 (hg19) VCF-style: chr20-8862337-C-T.
Other names: c.*88C>T (NM_182734.3).
Identifiers: ClinVar variation 701582 (VCV000701582.13), dbSNP rs1184688670, ClinGen allele CA509713819.